The following is an entry in ClinVar:

ClinVar aggregate classification (germline): Benign/Likely benign. Review status: criteria provided, multiple submitters, no conflicts (2 of 4 stars). 2 submissions from 2 submitters: Benign (1); Likely benign (1). Last evaluated 2025-01-02.

Conditions:
Hereditary cancer-predisposing syndrome. Also called: Tumor predisposition; Hereditary Cancer Syndrome; Neoplastic Syndromes, Hereditary; Hereditary neoplastic syndrome. Identifiers: Orphanet 140162, MedGen C0027672, MeSH D009386, MONDO:0015356.
Lynch syndrome 5 (LYNCH5). Also called: Colorectal cancer, hereditary nonpolyposis, type 5; Hereditary non-polyposis colorectal cancer, type 5. Identifiers: Orphanet 144, MedGen C1833477, MONDO:0013710, OMIM 614350. Disease mechanism: loss of function.

Allele frequency attached by ClinVar (database versions not stated): TOPMed below 0.00001.

Submissions (2):

Myriad Genetics, Inc.
Classification: Benign for Lynch syndrome 5. Last evaluated: 2025-01-02. Review status: criteria provided, single submitter. Criteria: Myriad Autosomal Dominant, Autosomal Recessive and X-Linked Classification Criteria (2023). Collection method: clinical testing. Allele origin: unknown.
Comment: This variant is considered benign. This variant is a silent/synonymous amino acid change and it is not expected to impact splicing.

Ambry Genetics
Classification: Likely benign for Hereditary cancer-predisposing syndrome. Last evaluated: 2019-08-30. Review status: criteria provided, single submitter. Criteria: Ambry Variant Classification Scheme 2023. Collection method: clinical testing. Allele origin: germline.

NM_000179.3(MSH6):c.2679G>A (p.Leu893=)

Gene: MSH6 (mutS homolog 6; plus strand). Cytogenetic location: 2p16.3.
Variant type: single nucleotide variant.
Coding change: c.2679G>A on transcript NM_000179.3 (MANE Select); coding-DNA position 2679, G replaced by A.
Protein change: p.Leu893=; no amino-acid change (leucine 893 retained).
Molecular consequence: synonymous variant. On other transcripts: non-coding transcript variant (5), intron variant (3).
Genome position (GRCh38, 1-based): chr2:47,800,662, G>A. VCF-style: chr2-47800662-G-A. GRCh37 (hg19) VCF-style: chr2-48027801-G-A.
Other names: c.2775G>A, p.Leu925= (NM_001406802.1, NM_001406795.1); c.2601G>A, p.Leu867= (NM_001406804.1); c.2382G>A, p.Leu794= (NM_001406805.1, NM_001406801.1, NM_001406797.1 and 10 more transcripts); c.2154G>A, p.Leu718= (NM_001406806.1, NM_001406799.1, NM_001406807.1); c.2289G>A, p.Leu763= (NM_001281492.2); c.1773G>A, p.Leu591= (NM_001281493.2, NM_001281494.2, NM_001406811.1 and 6 more transcripts); c.2679G>A, p.Leu893= (NM_001406796.1, NM_001406798.1, NM_001406800.1 and 2 more transcripts); c.2685G>A, p.Leu895= (NM_001406813.1); and 4 more.
Identifiers: ClinVar variation 1794641 (VCV001794641.3), dbSNP rs1437017507, ClinGen allele CA426122016.